The following is an entry in ClinVar:

ClinVar aggregate classification (germline): Uncertain significance (1 of 4 stars; one submission).

Submission:

Labcorp Genetics (formerly Invitae), Labcorp
Classification: Uncertain significance. Last evaluated: 2021-10-27. Review status: criteria provided, single submitter. Criteria: Invitae Variant Classification Sherloc (09022015). Collection method: clinical testing. Allele origin: germline.
Comment: This variant has not been reported in the literature in individuals affected with PCLO-related conditions. This sequence change replaces glycine, which is neutral and non-polar, with glutamic acid, which is acidic and polar, at codon 4580 of the PCLO protein (p.Gly4580Glu). This variant is not present in population databases (gnomAD no frequency). Algorithms developed to predict the effect of missense changes on protein structure and function are either unavailable or do not agree on the potential impact of this missense change (SIFT: "Deleterious"; PolyPhen-2: "Not Available"; Align-GVGD: "Class C0"). In summary, the available evidence is currently insufficient to determine the role of this variant in disease. Therefore, it has been classified as a Variant of Uncertain Significance.

NM_033026.6(PCLO):c.13739G>A (p.Gly4580Glu)

Gene: PCLO (piccolo presynaptic cytomatrix protein; minus strand). Cytogenetic location: 7q21.11.
Variant type: single nucleotide variant.
Coding change: c.13739G>A on transcript NM_033026.6 (MANE Select); coding-DNA position 13739, G replaced by A.
Protein change: p.Gly4580Glu; replaces glycine 4580 with glutamic acid.
Molecular consequence: missense variant.
Genome position (GRCh38, 1-based): chr7:82,847,163, C>T on the plus strand (G>A on the coding strand, the complement: PCLO is on the minus strand). VCF-style: chr7-82847163-C-T. GRCh37 (hg19) VCF-style: chr7-82476479-C-T.
Other names: c.13739G>A, p.Gly4580Glu (NM_014510.3); short protein forms G4580E.
Identifiers: ClinVar variation 1507270 (VCV001507270.6), dbSNP rs2115818973, ClinGen allele CA367879561.